The following is an entry in ClinVar:

ClinVar aggregate classification (germline): Pathogenic/Likely pathogenic. Review status: criteria provided, multiple submitters, no conflicts (2 of 4 stars). 8 submissions from 8 submitters: Pathogenic (6); Likely pathogenic (1). 1 of the submissions does not count toward it. Last evaluated 2025-12-23.

Conditions:
Ocular cystinosis. Also called: Non-Nephropathic (Ocular) Cystinosis; Non-Nephropathic Cystinosis. Identifiers: Orphanet 213, Orphanet 411641, MedGen C2931013, MONDO:0009064, OMIM 219750.
Juvenile nephropathic cystinosis. Also called: Later-Onset (Juvenile) Cystinosis; Intermediate Cystinosis; CYSTINOSIS, LATE-ONSET JUVENILE OR ADOLESCENT NEPHROPATHIC TYPE. Identifiers: Orphanet 213, Orphanet 411634, MedGen C0268626, MONDO:0009066, OMIM 219900.
Nephropathic cystinosis (CTNS). Also called: Abderhalden Lignac Kaufmann disease; Abderhalden-Kaufmann-Lignac syndrome; CYSTINOSIN, DEFECT OF; LYSOSOMAL CYSTINE TRANSPORT PROTEIN, DEFECT OF. Identifiers: Orphanet 213, Orphanet 411629, MedGen C2931187, MONDO:0100151, OMIM 219800.
Cystinosis. Also called: Cystine diathesis; Cystine storage disease; Cystinoses. Identifiers: Orphanet 213, MedGen C4316899, MONDO:0016239.
Inborn genetic diseases. Identifiers: MedGen C0950123, MeSH D030342.

Allele frequency attached by ClinVar (database versions not stated): TOPMed below 0.00001; ExAC 0.00002; gnomAD 0.00002; gnomAD exomes 0.00002 and 0.00003.

Submissions (8):

Labcorp Genetics (formerly Invitae), Labcorp
Classification: Pathogenic for Inborn genetic diseases; Ocular cystinosis; Juvenile nephropathic cystinosis. Last evaluated: 2025-12-23. Review status: criteria provided, single submitter. Criteria: Invitae Variant Classification Sherloc (09022015). Collection method: clinical testing. Allele origin: germline.
Comment: This variant, c.198_218del, results in the deletion of 7 amino acid(s) of the CTNS protein (p.Ile67_Pro73del), but otherwise preserves the integrity of the reading frame. This variant is present in population databases (rs113994204, gnomAD 0.006%). This variant has been observed in individual(s) with cystinosis (PMID: 9792862, 28629674). In at least one individual the data is consistent with being in trans (on the opposite chromosome) from a pathogenic variant. It has also been observed to segregate with disease in related individuals. ClinVar contains an entry for this variant (Variation ID: 21438). Algorithms developed to predict the effect of variants on gene product structure and function are not available or were not evaluated for this variant. Experimental studies have shown that this variant affects CTNS function (PMID: 15128704). For these reasons, this variant has been classified as Pathogenic.

Natera, Inc.
Classification: Pathogenic for Cystinosis. Last evaluated: 2024-11-15. Review status: criteria provided, single submitter. Criteria: Natera Variant Classification Schema (03/2026). Collection method: clinical testing. Allele origin: germline.
Comment: The c.198_218delTATTACTATCCTTGAGCTCCC variant in CTNS is an in-frame deletion. This variant is rare in the general population with a frequency below the threshold expected for the associated phenotype(s). This variant has been observed in one or more individuals affected with the associated recessive disease, as either homozygous or compound heterozygous with a second variant (PMID: 27734949, 21305353, 22664570). Given the available evidence, this variant is classified as Pathogenic.

Baylor Genetics
Classification: Pathogenic for Nephropathic cystinosis. Last evaluated: 2023-11-22. Review status: criteria provided, single submitter. Criteria: ACMG Guidelines, 2015. Collection method: clinical testing. Allele origin: unknown.

Fulgent Genetics
Classification: Pathogenic for Ocular cystinosis; Nephropathic cystinosis; Juvenile nephropathic cystinosis. Last evaluated: 2021-08-16. Review status: criteria provided, single submitter. Criteria: ACMG Guidelines, 2015. Collection method: clinical testing. Allele origin: unknown.

Myriad Genetics, Inc.
Classification: Likely pathogenic for Nephropathic cystinosis. Last evaluated: 2019-12-27. Review status: criteria provided, single submitter. Criteria: Myriad Women's Health Autosomal Recessive and X-Linked Classification Criteria (2019). Collection method: clinical testing. Allele origin: unknown.
Comment: NM_001031681.2(CTNS):c.198_218del21(aka I67_P73del) is classified as likely pathogenic in the context of cystinosis and is associated with a less severe form of disease. Sources cited for classification include the following: PMID 18178779â€šÃ„Ã¶âˆšÃ‘âˆšÂ©, 9792862, 21305353 and 15128704. Classification of NM_001031681.2(CTNS):c.198_218del21(aka I67_P73del) is based on the following criteria: There is strong evidence of association with the variant and the relevant disease. Please note: this variant was assessed in the context of healthy population screening.

Mendelics
Classification: Pathogenic for Nephropathic cystinosis. Last evaluated: 2019-05-28. Review status: criteria provided, single submitter. Criteria: Mendelics Assertion Criteria 2017. Collection method: clinical testing. Allele origin: unknown.

Women's Health and Genetics/Laboratory Corporation of America, LabCorp
Classification: Pathogenic for Cystinosis. Last evaluated: 2018-04-09. Review status: criteria provided, single submitter. Criteria: LabCorp Variant Classification Summary - May 2015. Collection method: clinical testing. Allele origin: germline.
Comment: Variant summary: CTNS c.198_218del21 (p.Ile67_Pro73del) results in an in-frame deletion that is predicted to remove ITILELP amino acids from the encoded protein. c.198_218del21 has been reported in the literature in multiple individuals affected with Cystinosis as both a homozygous and compound heterozygous allele. These data indicate that the variant is very likely to be associated with disease. To our knowledge, no experimental evidence demonstrating an impact on protein function has been reported. No clinical diagnostic laboratories have submitted clinical-significance assessments for this variant to ClinVar after 2014. Based on the evidence outlined above, the variant was classified as pathogenic.

GeneReviews
No classification provided. Condition: Nephropathic cystinosis. Review status: no classification provided. Collection method: literature only. Allele origin: unknown. Not counted in ClinVar's aggregate classification.

Literature cited by the submitters: PubMed 9792862 (cited by 3 submitters); PubMed 28629674 (cited by Labcorp Genetics (formerly Invitae), Labcorp); PubMed 15128704 (cited by Labcorp Genetics (formerly Invitae), Labcorp and Myriad Genetics, Inc.); PubMed 27734949 (cited by Natera, Inc.); PubMed 21305353 (cited by Natera, Inc. and Myriad Genetics, Inc.); PubMed 22664570 (cited by Natera, Inc.); PubMed 18178779 (cited by Myriad Genetics, Inc.); PubMed 26489029 (cited by Women's Health and Genetics/Laboratory Corporation of America, LabCorp); PubMed 18752449 (cited by Women's Health and Genetics/Laboratory Corporation of America, LabCorp); PubMed 20301574 (cited by GeneReviews); NCBI Bookshelf NBK1400 (cited by GeneReviews).

NM_004937.3(CTNS):c.198_218del (p.Ile67_Pro73del)

Gene: CTNS (cystinosin, lysosomal cystine transporter; plus strand). Cytogenetic location: 17p13.2.
Variant type: Deletion.
Coding change: c.198_218del on transcript NM_004937.3 (MANE Select); coding-DNA positions 198 to 218, 21 bases deleted (TATTACTATCCTTGAGCTCCC).
Protein change: p.Ile67_Pro73del.
Molecular consequence: inframe deletion. On other transcripts: 5 prime UTR variant (1), intron variant (3).
Genome position (GRCh38, 1-based): chr17:3,648,904-3,648,924, TATTACTATCCTTGAGCTCCC deleted. VCF-style (leftmost placement, unchanged base first): chr17-3648903-ATATTACTATCCTTGAGCTCCC-A. GRCh37 (hg19) VCF-style: chr17-3552197-ATATTACTATCCTTGAGCTCCC-A.
Other names: c.198_218del21 (NM_001031681.2); c.198_218del, p.Ile67_Pro73del (NM_001031681.3, NM_001374492.1); c.-244_-224del (NM_001374494.1); c.-217+1382_-217+1402del (NM_001374493.1, NM_001374496.1); c.-216-6094_-216-6074del (NM_001374495.1); c.198_218delTATTACTATCCTTGAGCTCCC (NM_004937.2).
Identifiers: ClinVar variation 21438 (VCV000021438.25), dbSNP rs113994204, ClinGen allele CA342073.
Genomic context (GRCh38, chr17:3,648,903, plus strand): 5'-ACAGGCCACCATTAAATGCAACCCTGGTGATCACTTTTGAAATCACATTTCGTTCCAAAA[ATATTACTATCCTTGAGCTCCC>A]CGATGAAGTAAGTAACCAATCTTAACGGATGGGTAGGGAAATGCTAGGTAACAGAACACA-3'